The following is an entry in ClinVar:

NM_024422.6(DSC2):c.1280A>G (p.Glu427Gly)

Gene: DSC2 (desmocollin 2; minus strand). Cytogenetic location: 18q12.1.
Variant type: single nucleotide variant.
Coding change: c.1280A>G on transcript NM_024422.6 (MANE Select); coding-DNA position 1280, A replaced by G.
Protein change: p.Glu427Gly; replaces glutamic acid 427 with glycine.
Molecular consequence: missense variant.
Genome position (GRCh38, 1-based): chr18:31,080,336, T>C on the plus strand (A>G on the coding strand, the complement: DSC2 is on the minus strand). VCF-style: chr18-31080336-T-C. GRCh37 (hg19) VCF-style: chr18-28660302-T-C.
Other names: c.1280A>G (NM_024422.3); c.851A>G, p.Glu284Gly (NM_001406506.1, NM_001406507.1); c.1280A>G, p.Glu427Gly (NM_004949.5); short protein forms E427G, E284G.
Identifiers: ClinVar variation 2874050 (VCV002874050.5), dbSNP rs1214019629, ClinGen allele CA402108988.

ClinVar aggregate classification (germline): Uncertain significance. Review status: criteria provided, multiple submitters, no conflicts (2 of 4 stars). 2 submissions from 2 submitters: Uncertain significance (2). Last evaluated 2026-08-27.

Conditions:
Cardiovascular phenotype. Identifiers: MedGen CN230736.
Arrhythmogenic right ventricular dysplasia 11. Also called: Arrhythmogenic Right Ventricular Dysplasia/Cardiomyopathy11; ARRHYTHMOGENIC RIGHT VENTRICULAR DYSPLASIA, FAMILIAL, 11; Arrhythmogenic right ventricular dysplasia 11 with mild palmoplantar keratoderma and woolly hair. Identifiers: MedGen C1864850, MONDO:0012506, OMIM 610476.

Allele frequency attached by ClinVar (database versions not stated): gnomAD 0.00001; TOPMed 0.00001.
gnomAD v4.1: 1 of 1,613,838 alleles (0.000062%); highest among the groups gnomAD compares: African/African-American, 0.0013%; no homozygotes.

Submissions (2):

Ambry Genetics
Classification: Uncertain significance for Cardiovascular phenotype. Last evaluated: 2026-08-27. Review status: criteria provided, single submitter. Criteria: Ambry Variant Classification Scheme 2023. Collection method: clinical testing. Allele origin: germline.

Labcorp Genetics (formerly Invitae), Labcorp
Classification: Uncertain significance for Arrhythmogenic right ventricular dysplasia 11. Last evaluated: 2022-12-10. Review status: criteria provided, single submitter. Criteria: Invitae Variant Classification Sherloc (09022015). Collection method: clinical testing. Allele origin: germline.
Comment: In summary, the available evidence is currently insufficient to determine the role of this variant in disease. Therefore, it has been classified as a Variant of Uncertain Significance. Advanced modeling of protein sequence and biophysical properties (such as structural, functional, and spatial information, amino acid conservation, physicochemical variation, residue mobility, and thermodynamic stability) performed at Invitae indicates that this missense variant is expected to disrupt DSC2 protein function. This variant has not been reported in the literature in individuals affected with DSC2-related conditions. This variant is not present in population databases (gnomAD no frequency). This sequence change replaces glutamic acid, which is acidic and polar, with glycine, which is neutral and non-polar, at codon 427 of the DSC2 protein (p.Glu427Gly).